The following is an entry in ClinVar:

NM_001159699.2(FHL1):c.404G>C (p.Gly135Ala)

Gene: FHL1 (four and a half LIM domains 1; plus strand). Cytogenetic location: Xq26.3.
Variant type: single nucleotide variant.
Coding change: c.404G>C on transcript NM_001159699.2 (MANE Select); coding-DNA position 404, G replaced by C.
Protein change: p.Gly135Ala; replaces glycine 135 with alanine.
Molecular consequence: missense variant. On other transcripts: non-coding transcript variant (1).
Genome position (GRCh38, 1-based): chrX:136,207,816, G>C. VCF-style: chrX-136207816-G-C. GRCh37 (hg19) VCF-style: chrX-135289975-G-C.
Other names: c.356G>C, p.Gly119Ala (NM_001159700.2, NM_001159702.3, NM_001159703.2 and 9 more transcripts); c.443G>C, p.Gly148Ala (NM_001159701.2); c.404G>C, p.Gly135Ala (NM_001330659.2); short protein forms G119A, G135A, G148A.
Identifiers: ClinVar variation 956396 (VCV000956396.12), dbSNP rs886042453, ClinGen allele CA336094734.

ClinVar aggregate classification (germline): Uncertain significance. Review status: criteria provided, multiple submitters, no conflicts (2 of 4 stars). 3 submissions from 3 submitters: Uncertain significance (3). Last evaluated 2025-12-23.

Conditions:
X-linked myopathy with postural muscle atrophy. Also called: FHL1-Related Emery-Dreifuss Muscular Dystrophy, X-Linked. Identifiers: Orphanet 178461, MedGen C2678055, MONDO:0010401, OMIM 300696.
Cardiovascular phenotype. Identifiers: MedGen CN230736.

Allele frequency attached by ClinVar (database versions not stated): gnomAD exomes below 0.00001; TOPMed 0.00002.
gnomAD v4.1: 2 of 1,211,717 alleles (0.00017%); highest among the groups gnomAD compares: Admixed American, 0.0022%; no homozygotes.

Submissions (3):

Labcorp Genetics (formerly Invitae), Labcorp
Classification: Uncertain significance for X-linked myopathy with postural muscle atrophy. Last evaluated: 2025-12-23. Review status: criteria provided, single submitter. Criteria: Invitae Variant Classification Sherloc (09022015). Collection method: clinical testing. Allele origin: germline.
Comment: This sequence change replaces glycine, which is neutral and non-polar, with alanine, which is neutral and non-polar, at codon 119 of the FHL1 protein (p.Gly119Ala). This variant is not present in population databases (gnomAD no frequency). This variant has not been reported in the literature in individuals affected with FHL1-related conditions. ClinVar contains an entry for this variant (Variation ID: 956396). An algorithm developed to predict the effect of missense changes on protein structure and function (PolyPhen-2) suggests that this variant is likely to be disruptive. In summary, the available evidence is currently insufficient to determine the role of this variant in disease. Therefore, it has been classified as a Variant of Uncertain Significance.

Ambry Genetics
Classification: Uncertain significance for Cardiovascular phenotype. Last evaluated: 2025-02-09. Review status: criteria provided, single submitter. Criteria: Ambry Variant Classification Scheme 2023. Collection method: clinical testing. Allele origin: germline.
Comment: The p.G119A variant (also known as c.356G>C), located in coding exon 3 of the FHL1 gene, results from a G to C substitution at nucleotide position 356. The glycine at codon 119 is replaced by alanine, an amino acid with similar properties. This amino acid position is conserved. In addition, the in silico prediction for this alteration is inconclusive. Based on the available evidence, the clinical significance of this variant remains unclear.

GeneDx
Classification: Uncertain significance. Last evaluated: 2022-06-10. Review status: criteria provided, single submitter. Criteria: GeneDx Variant Classification Process June 2021. Collection method: clinical testing. Allele origin: germline. Affected: yes.
Comment: Not observed at significant frequency in large population cohorts (gnomAD); In silico analysis supports that this missense variant has a deleterious effect on protein structure/function; Has not been previously published as pathogenic or benign to our knowledge